The following is an entry in ClinVar:

NM_014915.3(ANKRD26):c.2897C>A (p.Thr966Lys)

Gene: ANKRD26 (ankyrin repeat domain containing 26; minus strand). Cytogenetic location: 10p12.1.
Variant type: single nucleotide variant.
Coding change: c.2897C>A on transcript NM_014915.3 (MANE Select); coding-DNA position 2897, C replaced by A.
Protein change: p.Thr966Lys; replaces threonine 966 with lysine.
Molecular consequence: missense variant.
Genome position (GRCh38, 1-based): chr10:27,035,553, G>T on the plus strand (C>A on the coding strand, the complement: ANKRD26 is on the minus strand). VCF-style: chr10-27035553-G-T. GRCh37 (hg19) VCF-style: chr10-27324482-G-T.
Other names: c.2894C>A, p.Thr965Lys (NM_001256053.2); short protein forms T966K, T965K.
Identifiers: ClinVar variation 3396708 (VCV003396708.1).

ClinVar aggregate classification (germline): Uncertain significance (1 of 4 stars; one submission).

Conditions:
Inborn genetic diseases. Identifiers: MedGen C0950123, MeSH D030342.

Submission:

Ambry Genetics
Classification: Uncertain significance for Inborn genetic diseases. Last evaluated: 2024-11-25. Review status: criteria provided, single submitter. Criteria: Ambry Variant Classification Scheme 2023. Collection method: clinical testing. Allele origin: germline.
Comment: The p.T966K variant (also known as c.2897C>A), located in coding exon 24 of the ANKRD26 gene, results from a C to A substitution at nucleotide position 2897. The threonine at codon 966 is replaced by lysine, an amino acid with similar properties. This amino acid position is conserved. In addition, this alteration is predicted to be tolerated by in silico analysis. Based on the available evidence, the clinical significance of this variant remains unclear.